The following is an entry in ClinVar:

NM_000459.5(TEK):c.1949T>C (p.Ile650Thr)

Gene: TEK (TEK receptor tyrosine kinase; plus strand). Cytogenetic location: 9p21.2.
Variant type: single nucleotide variant.
Coding change: c.1949T>C on transcript NM_000459.5 (MANE Select); coding-DNA position 1949, T replaced by C.
Protein change: p.Ile650Thr; replaces isoleucine 650 with threonine.
Molecular consequence: missense variant.
Genome position (GRCh38, 1-based): chr9:27,202,859, T>C. VCF-style: chr9-27202859-T-C. GRCh37 (hg19) VCF-style: chr9-27202857-T-C.
Other names: p.Ile650Thr; c.1820T>C, p.Ile607Thr (NM_001290077.2, NM_001375476.1); c.1508T>C, p.Ile503Thr (NM_001290078.2); c.1949T>C, p.Ile650Thr (NM_001375475.1); short protein forms I503T, I607T, I650T.
Identifiers: ClinVar variation 3379850 (VCV003379850.1).

ClinVar aggregate classification (germline): Uncertain significance (1 of 4 stars; one submission).

gnomAD v4.1: 13 of 1,614,162 alleles (0.00081%); highest among the groups gnomAD compares: Non-Finnish European, 0.001%; no homozygotes.

Submission:

Mayo Clinic Laboratories, Mayo Clinic
Classification: Uncertain significance. Last evaluated: 2024-09-25. Review status: criteria provided, single submitter. Criteria: ACMG Guidelines, 2015. Collection method: clinical testing. Allele origin: germline. Observed: 2 variant alleles.
Comment: BP4, PM2